The following is an entry in ClinVar:

NM_001134407.3(GRIN2A):c.1122+133T>C

Gene: GRIN2A (glutamate ionotropic receptor NMDA type subunit 2A; minus strand). Cytogenetic location: 16p13.2.
Variant type: single nucleotide variant.
Coding change: c.1122+133T>C on transcript NM_001134407.3 (MANE Select); 133 bases into the intron after coding-DNA position 1122, T replaced by C.
Molecular consequence: intron variant.
Genome position (GRCh38, 1-based): chr16:9,890,853, A>G on the plus strand (T>C on the coding strand, the complement: GRIN2A is on the minus strand). VCF-style: chr16-9890853-A-G. GRCh37 (hg19) VCF-style: chr16-9984710-A-G.
Other names: c.1122+133T>C (NM_001134408.2, NM_000833.5).
Identifiers: ClinVar variation 677397 (VCV000677397.1), dbSNP rs16966605, ClinGen allele CA278188139.
Genomic context (GRCh38, chr16:9,890,853, plus strand): 5'-CACCCAGAGAAAGCATTCCAATTGCACCTTACAGATTTAGTCTGCCTTGTTGCAAGAAAG[A>G]CGTGCTCTTGGCTGTGAGATGGGATCTAGAGCAGCTCAACAGGAAATGCGTGGGAGAAAG-3'

ClinVar aggregate classification (germline): Benign (1 of 4 stars; one submission).

Allele frequency attached by ClinVar (database versions not stated): gnomAD 0.02077 and 0.02198; TOPMed 0.02253; 1000 Genomes Project 0.02456; 1000 Genomes Project 30x 0.02483.
gnomAD v4.1: 4,625 of 689,750 alleles (0.67%); highest among the groups gnomAD compares: African/African-American, 7%; 139 homozygotes.

Submission:

GeneDx
Classification: Benign. Last evaluated: 2018-06-14. Review status: criteria provided, single submitter. Criteria: GeneDx Variant Classification (06012015). Collection method: clinical testing. Allele origin: germline. Affected: yes.
Comment: This variant is considered likely benign or benign based on one or more of the following criteria: it is a conservative change, it occurs at a poorly conserved position in the protein, it is predicted to be benign by multiple in silico algorithms, and/or has population frequency not consistent with disease.